The following is an entry in ClinVar:

ClinVar aggregate classification (germline): Pathogenic. Review status: criteria provided, multiple submitters, no conflicts (2 of 4 stars). 2 submissions from 2 submitters: Pathogenic (2). Last evaluated 2025-09-02.

Conditions:
Autosomal recessive hypophosphatemic bone disease (HHRH). Also called: HYPERCALCIURIC RICKETS; Hypophosphatemic rickets with hypercalciuria. Identifiers: Orphanet 157215, MedGen C1853271, MONDO:0009431, OMIM 241530.

Allele frequency attached by ClinVar (database versions not stated): TOPMed 0.00002; ExAC 0.00003; gnomAD 0.00003.

Submissions (2):

Labcorp Genetics (formerly Invitae), Labcorp
Classification: Pathogenic. Last evaluated: 2025-09-02. Review status: criteria provided, single submitter. Criteria: Invitae Variant Classification Sherloc (09022015). Collection method: clinical testing. Allele origin: germline.
Comment: This sequence change replaces glycine, which is neutral and non-polar, with serine, which is neutral and polar, at codon 457 of the SLC34A3 protein (p.Gly457Ser). This variant is present in population databases (rs772211127, gnomAD 0.007%). This missense change has been observed in individual(s) with hypophosphatemic rickets with hypercalciuria (PMID: 24700880). It has also been observed to segregate with disease in related individuals. ClinVar contains an entry for this variant (Variation ID: 2735380). Invitae Evidence Modeling of protein sequence and biophysical properties (such as structural, functional, and spatial information, amino acid conservation, physicochemical variation, residue mobility, and thermodynamic stability) indicates that this missense variant is not expected to disrupt SLC34A3 protein function with a negative predictive value of 80%. For these reasons, this variant has been classified as Pathogenic.

MVZ Medizinische Genetik Mainz
Classification: Pathogenic for Autosomal recessive hypophosphatemic bone disease. Last evaluated: 2025-05-06. Review status: criteria provided, single submitter. Criteria: UK Practice Guidelines For Variant Classification V4 01 2020. Collection method: clinical testing. Allele origin: germline. Inheritance: Autosomal dominant inheritance. Affected: yes. Observed: 1 variant allele.
Comment: ACMG Criteria: PP1_STR,PP3_STR,PM2_SUP,PM3_SUP

Literature cited by the submitters: PubMed 24700880 (cited by Labcorp Genetics (formerly Invitae), Labcorp).

NM_001177316.2(SLC34A3):c.1369G>A (p.Gly457Ser)

Gene: SLC34A3 (solute carrier family 34 member 3; plus strand). Cytogenetic location: 9q34.3.
Variant type: single nucleotide variant.
Coding change: c.1369G>A on transcript NM_001177316.2 (MANE Select); coding-DNA position 1369, G replaced by A.
Protein change: p.Gly457Ser; replaces glycine 457 with serine.
Molecular consequence: missense variant.
Genome position (GRCh38, 1-based): chr9:137,235,985, G>A. VCF-style: chr9-137235985-G-A. GRCh37 (hg19) VCF-style: chr9-140130437-G-A.
Other names: c.1369G>A, p.Gly457Ser (NM_001177317.2, NM_080877.3); short protein forms G457S.
Identifiers: ClinVar variation 2735380 (VCV002735380.4), dbSNP rs772211127, ClinGen allele CA5364930.